The following is an entry in ClinVar:

ClinVar aggregate classification (germline): Pathogenic/Likely pathogenic. Review status: criteria provided, multiple submitters, no conflicts (2 of 4 stars). 6 submissions from 6 submitters: Pathogenic (4); Likely pathogenic (1). 1 of the submissions does not count toward it. Last evaluated 2026-03-20.

Conditions:
F8-related disorder. Also called: F8-related condition.
Mild hemophilia A. Identifiers: Orphanet 169808, MedGen C0272324, MONDO:0015721.
Hereditary factor VIII deficiency disease (HEMA). Also called: AUTOSOMAL HEMOPHILIA A; Hemophilia A, congenital; HEM A; Factor 8 deficiency, congenital; Hemophilia A; HEMOPHILIA, CLASSIC. Identifiers: Orphanet 98878, MedGen C0019069, MONDO:0010602, OMIM 306700.

Allele frequency attached by ClinVar (database versions not stated): gnomAD exomes below 0.00001; gnomAD 0.00001; TOPMed 0.00017.
gnomAD v4.1: 2 of 1,206,680 alleles (0.00017%); highest among the groups gnomAD compares: Non-Finnish European, 0.00022%; no homozygotes.

Submissions (6):

PreventionGenetics, part of Exact Sciences
Classification: Pathogenic for F8-related condition. Last evaluated: 2026-03-20. Review status: criteria provided, single submitter. Criteria: ACMG Guidelines, 2015. Collection method: clinical testing. Allele origin: germline.
Comment: The F8 c.1648C>T variant is predicted to result in the amino acid substitution p.Arg550Cys. This variant, also described as p.Arg531Cys using legacy nomenclature, has been reported in many individuals with mild to moderate hemophilia A (Higuchi et al. 1991. PubMed ID: 1924291; Cid et al. 2007. PubMed ID: 17286776; Johnsen et al. 2017. PubMed ID: 29296726; Grigore et al. 2024. PubMed ID: 39125936). This variant has also been reported as a possible de novo occurrence in an individual with severe HA (FVIII:C <1%; Chen et al. 2024. PubMed ID: 38339041). Of note, some individuals with this variant have presented with inhibitor formation to factor replacement products (Cid et al. 2007. PubMed ID: 17286776; Boeriu et al. 2022. PubMed ID: 35743393). This variant has not been reported in a large population database (gnomAD), indicating this variant is rare. Several alternate missense variants of the same amino acid (p.Arg550His, p.Arg550Pro, p.Arg550Gly, p.Arg550Leu) have also been reported in individuals with hemophilia A (Pipe et al. 2001. PubMed ID: 11157485; Schwaab et al. 1995. PubMed ID: 8547094; Rossetti et al. 2013. PubMed ID: 23534532; Table S2, Eckhardt et al. 2013. PubMed ID: 23926300), and the p.Arg550His variant in particular has been classified as pathogenic by the ClinGen Coagulation Factor Deficiency Variant Curation Expert Panel (Variation ID: 10225). Taken together, the p.Arg550Cys variant is classified as pathogenic.

Myriad Genetics, Inc.
Classification: Likely pathogenic for Hereditary factor VIII deficiency disease. Last evaluated: 2025-01-31. Review status: criteria provided, single submitter. Criteria: Myriad Autosomal Dominant, Autosomal Recessive and X-Linked Classification Criteria (2023). Collection method: clinical testing. Allele origin: unknown.
Comment: NM_000132.3(F8):c.1648C>T(R550C) is a missense variant classified as likely pathogenic in the context of hemophilia A. R550C has been observed in cases with relevant disease (PMID: 38339041, 25550078, 33600628). Relevant functional assessments of this variant are not available in the literature. R550C has not been observed in referenced population frequency databases. In summary, NM_000132.3(F8):c.1648C>T(R550C) is a missense variant that has been observed more frequently in cases with the relevant disease than in healthy populations. Please note: this variant was assessed in the context of healthy population screening.

ARUP Laboratories, Molecular Genetics and Genomics, ARUP Laboratories
Classification: Pathogenic. Last evaluated: 2024-05-07. Review status: criteria provided, single submitter. Criteria: ARUP Molecular Germline Variant Investigation Process 2024. Collection method: clinical testing. Allele origin: germline.
Comment: The F8 c.1648C>T; p.Arg550Cys variant (rs137852417, ClinVar Variation ID: 10223) is reported in the literature in multiple individuals affected with mild to moderate hemophilia A (see link to Factor VIII database and references therein, David 2006, Green 2008, Johnsen 2017, Lu 2018). This variant is absent from the Genome Aggregation Database (v2.1.1), indicating it is not a common polymorphism. Computational analyses predict that this variant is deleterious (REVEL: 0.749). Additionally, other amino acid substitutions at this codon (His, Pro, Leu, Gly) have been reported in individuals with hemophilia A and are considered pathogenic (Factor VIII database and references therein). Based on available information, this variant is considered to be pathogenic. References: Link to Factor VIII database: David D et al. The spectrum of mutations and molecular pathogenesis of hemophilia A in 181 Portuguese patients. Haematologica. 2006;91(6):840-843. PMID: 16769589. Green PM et al. Haemophilia A mutations in the UK: results of screening one-third of the population. Br J Haematol. 2008;143(1):115-128. PMID: 18691168. Johnsen JM et al. Novel approach to genetic analysis and results in 3000 hemophilia patients enrolled in the My Life, Our Future initiative. Blood Adv. 2017;1(13):824-834. PMID: 29296726. Lu Y et al. Spectrum and origin of mutations in sporadic cases of haemophilia A in China. Haemophilia. 2018;24(2):291-298. PMID: 29381227.

Versiti Diagnostic Laboratories, Versiti, Inc
Classification: Pathogenic for Mild hemophilia A. Last evaluated: 2024-04-10. Review status: criteria provided, single submitter. Criteria: Versiti Assertion Criteria. Collection method: clinical testing. Allele origin: germline. Affected: yes.
Comment: The missense variant F8 c.1648C>T, p.Arg550Cys (p.R550C; legacy p.R531C) in exon 11 changes amino acid arginine at codon 550 to cysteine. The arginine at this residue is fairly well conserved among species. This amino acid change occurs at the interface of the A1 and A2 domains. Pathogenic variants in F8 are associated with X-linked hemophilia A characterized by mild to severe bleeding due to a quantitative or qualitative deficiency in factor VIII. This sequence variant has been previously reported in patients with mild to moderate hemophilia A, both with and without the development of inhibitors (PMID:1924291; PMID:8547094; PMID:16769589; PMID:17286776; PMID:20331753; PMID:23926300; PMID:29296726). Patients carrying this variant show discrepancy between 1-stage and 2-stage factor VIII activity assays, with a lower measurement recorded with 2-stage assay (PMID:17286776). This variant was observed in 6 males and 3 females within our laboratory cohort. All 6 males within our laboratory cohort had clot based factor VIII activity levels consistent with moderate or mild hemophilia A; 3 out of 6 males had VWD 2N ruled out by either a 2N binding assay or by negative next generation sequencing. The minor allele frequency of this variant in the general population is 0.000008993 (GnomAD v3). No functional data is available for this variant. In silico computational evidence (REVEL) predicts the variant to be damaging (>=0.644 ); however, computational evidence alone is not sufficient to classify a variant. Different variants causing a change at the same amino acid (c.1648C>G, p.R550G; c.1649G>A, p.R550H; c.1649G>T, p.R550L; c.1649G>C, p.R550P) have also been reported in patients with mild to severe hemophilia A (PMID:1924291; PMID:19473423; PMID:8547094; PMID:11157485; PMID:18179574; PMID:29296726). Functional studies of the alternate p.R550H variant using recombinant protein demonstrated a similar discrepant activity between 1-stage and 2-stage assays and showed an increased rate of A2 subunit dissociation correlating with inactivation of FVIIIa (PMID:11157485). In summary, the collective evidence supports F8 c.1648C>T, p.Arg550Cys as a pathogenic variant for mild to moderate hemophilia A.

Hadassah Hebrew University Medical Center
Classification: Pathogenic for Hereditary factor VIII deficiency disease. Review status: criteria provided, single submitter. Criteria: ACMG Guidelines, 2015. Collection method: research. Allele origin: maternal. Affected: no. Observed: 1 variant allele.

OMIM
Classification: Pathogenic for HEMOPHILIA A. Last evaluated: 1992-07-01. Review status: no assertion criteria provided. Collection method: literature only. Allele origin: germline. Not counted in ClinVar's aggregate classification.

Literature cited by the submitters: PubMed 25550078 (cited by Myriad Genetics, Inc.); PubMed 33600628 (cited by Myriad Genetics, Inc.); PubMed 38339041 (cited by Myriad Genetics, Inc.); PubMed 1924291 (cited by Versiti Diagnostic Laboratories, Versiti, Inc and OMIM); PubMed 8547094 (cited by Versiti Diagnostic Laboratories, Versiti, Inc); PubMed 16769589 (cited by Versiti Diagnostic Laboratories, Versiti, Inc); PubMed 17286776 (cited by Versiti Diagnostic Laboratories, Versiti, Inc); PubMed 20331753 (cited by Versiti Diagnostic Laboratories, Versiti, Inc); PubMed 23926300 (cited by Versiti Diagnostic Laboratories, Versiti, Inc); PubMed 29296726 (cited by Versiti Diagnostic Laboratories, Versiti, Inc); PubMed 19473423 (cited by Versiti Diagnostic Laboratories, Versiti, Inc); PubMed 11157485 (cited by Versiti Diagnostic Laboratories, Versiti, Inc); PubMed 18179574 (cited by Versiti Diagnostic Laboratories, Versiti, Inc); PubMed 1639429 (cited by OMIM); PubMed 1301932 (cited by OMIM).

NM_000132.4(F8):c.1648C>T (p.Arg550Cys)

Gene: F8 (coagulation factor VIII; minus strand). Cytogenetic location: Xq28.
Variant type: single nucleotide variant.
Coding change: c.1648C>T on transcript NM_000132.4 (MANE Select); coding-DNA position 1648, C replaced by T.
Protein change: p.Arg550Cys; replaces arginine 550 with cysteine.
Molecular consequence: missense variant.
Genome position (GRCh38, 1-based): chrX:154,957,061, G>A on the plus strand (C>T on the coding strand, the complement: F8 is on the minus strand). VCF-style: chrX-154957061-G-A. GRCh37 (hg19) VCF-style: chrX-154185336-G-A.
Other names: F8, ARG531CYS; R531C; c.1648C>T (NM_000132.3); short protein forms R550C.
Identifiers: ClinVar variation 10223 (VCV000010223.6), dbSNP rs137852417, ClinGen allele CA255113.